The following is an entry in ClinVar:

NM_014208.3(DSPP):c.999A>G (p.Pro333=)

Genes: DMP1-AS1 (DMP1 and DSPP antisense RNA 1; minus strand), DSPP (dentin sialophosphoprotein; plus strand). Cytogenetic location: 4q22.1.
Variant type: single nucleotide variant.
Coding change: c.999A>G on transcript NM_014208.3 (MANE Select); coding-DNA position 999, A replaced by G.
Protein change: p.Pro333=; no amino-acid change (proline 333 retained).
Molecular consequence: synonymous variant.
Genome position (GRCh38, 1-based): chr4:87,613,185, A>G. VCF-style: chr4-87613185-A-G. GRCh37 (hg19) VCF-style: chr4-88534337-A-G.
Identifiers: ClinVar variation 4738633 (VCV004738633.2).

ClinVar aggregate classification (germline): Likely benign. Review status: criteria provided, multiple submitters, no conflicts (2 of 4 stars). 2 submissions from 2 submitters: Likely benign (2). Last evaluated 2026-07-22.

Conditions:
DSPP-related disorder. Also called: DSPP-related condition.

Submissions (2):

PreventionGenetics, part of Exact Sciences
Classification: Likely benign for DSPP-related condition. Last evaluated: 2026-07-22. Review status: criteria provided, single submitter. Criteria: ACMG Guidelines, 2015. Collection method: clinical testing. Allele origin: germline.
Comment: This variant is classified as likely benign based on ACMG/AMP sequence variant interpretation guidelines (Richards et al. 2015 PMID: 25741868, with internal and published modifications).

Labcorp Genetics (formerly Invitae), Labcorp
Classification: Likely benign. Last evaluated: 2025-06-12. Review status: criteria provided, single submitter. Criteria: Invitae Variant Classification Sherloc (09022015). Collection method: clinical testing. Allele origin: germline.